The following is an entry in ClinVar:

NM_004260.4(RECQL4):c.620C>T (p.Ala207Val)

Gene: RECQL4 (RecQ like helicase 4; minus strand). Cytogenetic location: 8q24.3.
Variant type: single nucleotide variant.
Coding change: c.620C>T on transcript NM_004260.4 (MANE Select); coding-DNA position 620, C replaced by T.
Protein change: p.Ala207Val; replaces alanine 207 with valine.
Molecular consequence: missense variant.
Genome position (GRCh38, 1-based): chr8:144,516,499, G>A on the plus strand (C>T on the coding strand, the complement: RECQL4 is on the minus strand). VCF-style: chr8-144516499-G-A. GRCh37 (hg19) VCF-style: chr8-145741883-G-A.
Other names: c.620C>T (NM_004260.3); short protein forms A207V.
Identifiers: ClinVar variation 1062782 (VCV001062782.6), dbSNP rs2130725479, ClinGen allele CA372690070.

ClinVar aggregate classification (germline): Uncertain significance. Review status: criteria provided, multiple submitters, no conflicts (2 of 4 stars). 2 submissions from 2 submitters: Uncertain significance (2). Last evaluated 2025-03-04.

Conditions:
Inborn genetic diseases. Identifiers: MedGen C0950123, MeSH D030342.
Baller-Gerold syndrome (BGS). Also called: CRANIOSYNOSTOSIS WITH RADIAL DEFECTS. Identifiers: Orphanet 1225, MedGen C0265308, MONDO:0009039, OMIM 218600.

Allele frequency attached by ClinVar (database versions not stated): gnomAD exomes below 0.00001.
gnomAD v4.1: 3 of 1,609,098 alleles (0.00019%); highest among the groups gnomAD compares: South Asian, 0.0011%; no homozygotes.

Submissions (2):

Ambry Genetics
Classification: Uncertain significance for Inborn genetic diseases. Last evaluated: 2025-03-04. Review status: criteria provided, single submitter. Criteria: Ambry Variant Classification Scheme 2023. Collection method: clinical testing. Allele origin: germline.
Comment: The p.A207V variant (also known as c.620C>T), located in coding exon 5 of the RECQL4 gene, results from a C to T substitution at nucleotide position 620. The alanine at codon 207 is replaced by valine, an amino acid with similar properties. This amino acid position is conserved. In addition, this alteration is predicted to be tolerated by in silico analysis. Based on the available evidence, the clinical significance of this variant remains unclear.

Labcorp Genetics (formerly Invitae), Labcorp
Classification: Uncertain significance for Baller-Gerold syndrome. Last evaluated: 2024-10-08. Review status: criteria provided, single submitter. Criteria: Invitae Variant Classification Sherloc (09022015). Collection method: clinical testing. Allele origin: germline.
Comment: This sequence change replaces alanine, which is neutral and non-polar, with valine, which is neutral and non-polar, at codon 207 of the RECQL4 protein (p.Ala207Val). This variant is not present in population databases (gnomAD no frequency). This variant has not been reported in the literature in individuals affected with RECQL4-related conditions. ClinVar contains an entry for this variant (Variation ID: 1062782). Invitae Evidence Modeling of protein sequence and biophysical properties (such as structural, functional, and spatial information, amino acid conservation, physicochemical variation, residue mobility, and thermodynamic stability) indicates that this missense variant is not expected to disrupt RECQL4 protein function with a negative predictive value of 80%. In summary, the available evidence is currently insufficient to determine the role of this variant in disease. Therefore, it has been classified as a Variant of Uncertain Significance.